The following is an entry in ClinVar:

NM_001013706.3(PLIN5):c.66G>A (p.Val22=)

Gene: PLIN5 (perilipin 5; minus strand). Cytogenetic location: 19p13.3.
Variant type: single nucleotide variant.
Coding change: c.66G>A on transcript NM_001013706.3 (MANE Select); coding-DNA position 66, G replaced by A.
Protein change: p.Val22=; no amino-acid change (valine 22 retained).
Molecular consequence: synonymous variant.
Genome position (GRCh38, 1-based): chr19:4,531,817, C>T on the plus strand (G>A on the coding strand, the complement: PLIN5 is on the minus strand). VCF-style: chr19-4531817-C-T. GRCh37 (hg19) VCF-style: chr19-4531829-C-T.
Identifiers: ClinVar variation 3905481 (VCV003905481.10).

ClinVar aggregate classification (germline): Likely benign (1 of 4 stars; one submission).

Submission:

CeGaT Center for Human Genetics Tuebingen
Classification: Likely benign. Last evaluated: 2025-05-01. Review status: criteria provided, single submitter. Criteria: CeGaT Center For Human Genetics Tuebingen Variant Classification Criteria Version 2. Collection method: clinical testing. Allele origin: germline. Affected: yes. Observed: 1 variant allele.
Comment: PLIN5: BP4, BP7